The following is an entry in ClinVar:

ClinVar aggregate classification (germline): Uncertain significance (1 of 4 stars; one submission).

Conditions:
Joubert syndrome 15 (JBTS15). Identifiers: Orphanet 475, MedGen C3280897, MONDO:0013763, OMIM 614464.

Submission:

Labcorp Genetics (formerly Invitae), Labcorp
Classification: Uncertain significance for Joubert syndrome 15. Last evaluated: 2022-08-09. Review status: criteria provided, single submitter. Criteria: Invitae Variant Classification Sherloc (09022015). Collection method: clinical testing. Allele origin: germline.
Comment: Variants that disrupt the consensus splice site are a relatively common cause of aberrant splicing (PMID: 17576681, 9536098). Algorithms developed to predict the effect of sequence changes on RNA splicing suggest that this variant is not likely to affect RNA splicing. In summary, the available evidence is currently insufficient to determine the role of this variant in disease. Therefore, it has been classified as a Variant of Uncertain Significance. This variant has not been reported in the literature in individuals affected with CEP41-related conditions. This variant is not present in population databases (gnomAD no frequency). This sequence change falls in intron 6 of the CEP41 gene. It does not directly change the encoded amino acid sequence of the CEP41 protein. It affects a nucleotide within the consensus splice site.

Literature cited by the submitters: PubMed 17576681; PubMed 9536098.

NM_018718.3(CEP41):c.422+5T>C

Gene: CEP41 (centrosomal protein 41; minus strand). Cytogenetic location: 7q32.2.
Variant type: single nucleotide variant.
Coding change: c.422+5T>C on transcript NM_018718.3 (MANE Select); 5 bases into the intron after coding-DNA position 422, T replaced by C.
Molecular consequence: intron variant.
Genome position (GRCh38, 1-based): chr7:130,404,559, A>G on the plus strand (T>C on the coding strand, the complement: CEP41 is on the minus strand). VCF-style: chr7-130404559-A-G. GRCh37 (hg19) VCF-style: chr7-130044400-A-G.
Other names: c.374+5T>C (NM_001257159.2); c.422+5T>C (NM_001257158.2).
Identifiers: ClinVar variation 2023276 (VCV002023276.4), dbSNP rs2536066893, ClinGen allele CA2580077491.